The following is an entry in ClinVar:

ClinVar aggregate classification (germline): Uncertain significance (1 of 4 stars; one submission).

Conditions:
Costello syndrome (CSTLO). Also called: FCS SYNDROME; HRAS-Related Costello Syndrome; FACIOCUTANEOSKELETAL SYNDROME. Identifiers: Orphanet 3071, MedGen C0587248, MONDO:0009026, OMIM 218040.

Submission:

Labcorp Genetics (formerly Invitae), Labcorp
Classification: Uncertain significance for Costello syndrome. Last evaluated: 2019-08-16. Review status: criteria provided, single submitter. Criteria: Invitae Variant Classification Sherloc (09022015). Collection method: clinical testing. Allele origin: germline.
Comment: In summary, the available evidence is currently insufficient to determine the role of this variant in disease. Therefore, it has been classified as a Variant of Uncertain Significance. The current clinical and genetic evidence is not sufficient to establish whether loss-of-function variants in HRAS cause disease. This variant has not been reported in the literature in individuals with HRAS-related conditions. This variant is not present in population databases (ExAC no frequency). This sequence change creates a premature translational stop signal (p.Gly138Leufs*18) in the HRAS gene. It is expected to result in an absent or disrupted protein product.

NM_005343.4(HRAS):c.412_431del (p.Gly138fs)

Genes: HRAS (HRas proto-oncogene, GTPase; minus strand), LRRC56 (leucine rich repeat containing 56; plus strand). Cytogenetic location: 11p15.5.
Variant type: Deletion.
Coding change: c.412_431del on transcript NM_005343.4 (MANE Select); coding-DNA positions 412 to 431, 20 bases deleted (GGCATCCCCTACATCGAGAC).
Protein change: p.Gly138fs; shifts the reading frame from glycine 138.
Molecular consequence: frameshift variant.
Genome position (GRCh38, 1-based): chr11:533,472-533,491, GTCTCGATGTAGGGGATGCC deleted on the plus strand (GGCATCCCCTACATCGAGAC on the coding strand, the reverse complement: HRAS is on the minus strand); deleting any 20 consecutive bases within chr11:533,472-533,493 gives the same sequence; the c. name uses the placement nearest the transcript's 3' end. VCF-style (leftmost placement, unchanged base first): chr11-533471-GGTCTCGATGTAGGGGATGCC-G. GRCh37 (hg19) VCF-style: chr11-533471-GGTCTCGATGTAGGGGATGCC-G.
Other names: c.412_431del, p.Gly138fs (NM_001130442.3, NM_176795.5); c.93_112del, p.Ala32fs (NM_001318054.2); short protein forms G138fs, A32fs.
Identifiers: ClinVar variation 951790 (VCV000951790.8), dbSNP rs1851237302, ClinGen allele CA1139661725.
Genomic context (GRCh38, chr11:533,471, plus strand): 5'-GGGCGGGTCCCTGGCTAGCTGTGGGGTGGAGAGCTGCCTCACCTGCCGGGTCTTGGCCGA[GGTCTCGATGTAGGGGATGCC>G]GTAGCTTCGGGCGAGGTCCTGAGCCTGCCGAGATTCCACAGTGCGTGCAGCCAGGTCACA-3'